The following is an entry in ClinVar:

NM_001042475.3(CEP85L):c.1972C>G (p.Leu658Val)

Gene: CEP85L (centrosomal protein 85L; minus strand). Cytogenetic location: 6q22.31.
Variant type: single nucleotide variant.
Coding change: c.1972C>G on transcript NM_001042475.3 (MANE Select); coding-DNA position 1972, C replaced by G.
Protein change: p.Leu658Val; replaces leucine 658 with valine.
Molecular consequence: missense variant.
Genome position (GRCh38, 1-based): chr6:118,470,587, G>C on the plus strand (C>G on the coding strand, the complement: CEP85L is on the minus strand). VCF-style: chr6-118470587-G-C. GRCh37 (hg19) VCF-style: chr6-118791750-G-C.
Other names: c.1981C>G (NM_001178035.1); c.1981C>G, p.Leu661Val (NM_001178035.2); short protein forms L658V, L661V.
Identifiers: ClinVar variation 3910558 (VCV003910558.6).

ClinVar aggregate classification (germline): Conflicting classifications of pathogenicity. Review status: criteria provided, conflicting classifications (1 of 4 stars). 3 submissions from 3 submitters: Uncertain significance (1); Likely benign (2). Last evaluated 2026-03-01.

Conditions:
CEP85L-related disorder. Also called: CEP85L-related condition.

gnomAD v4.1: 61 of 1,606,140 alleles (0.0038%); highest among the groups gnomAD compares: Non-Finnish European, 0.0052%; no homozygotes.

Submissions (3):

CeGaT Center for Human Genetics Tuebingen
Classification: Likely benign. Last evaluated: 2026-03-01. Review status: criteria provided, single submitter. Criteria: CeGaT Center For Human Genetics Tuebingen Variant Classification Criteria Version 2. Collection method: clinical testing. Allele origin: germline. Affected: yes. Observed: 1 variant allele.
Comment: CEP85L: BP4, BS2

PreventionGenetics, part of Exact Sciences
Classification: Uncertain significance for CEP85L-related condition. Last evaluated: 2025-07-18. Review status: criteria provided, single submitter. Criteria: ACMG Guidelines, 2015. Collection method: clinical testing. Allele origin: germline.
Comment: The CEP85L c.1981C>G variant is predicted to result in the amino acid substitution p.Leu661Val. To our knowledge, this variant has not been reported in the literature. This variant is reported in 0.0087% of alleles in individuals of European (Non-Finnish) descent in gnomAD. At this time, the clinical significance of this variant is uncertain due to the absence of conclusive functional and genetic evidence.

Laboratory of Genetics, Children's Clinical University Hospital Latvia
Classification: Likely benign. Last evaluated: 2025-02-16. Review status: criteria provided, single submitter. Criteria: ACMG Guidelines, 2015. Collection method: clinical testing. Allele origin: germline. Affected: yes.